The following is an entry in ClinVar:

ClinVar aggregate classification (germline): Conflicting classifications of pathogenicity. Review status: criteria provided, conflicting classifications (1 of 4 stars). 5 submissions from 5 submitters: Uncertain significance (1); Likely benign (3). 1 of the submissions does not count toward it. Last evaluated 2022-01-13.

Conditions:
Epilepsy, childhood absence, susceptibility to, 5. Identifiers: Orphanet 64280, MedGen C2677087, MONDO:0012843, OMIM 612269.
Epilepsy, childhood absence, susceptibility to, 1. Also called: Epilepsy, childhood absence 1. Identifiers: Orphanet 64280, MedGen C1838604, MONDO:0020759, OMIM 600131.
Inborn genetic diseases. Identifiers: MedGen C0950123, MeSH D030342.

Allele frequency attached by ClinVar (database versions not stated): ExAC 0.00004; TOPMed 0.00015; gnomAD 0.00015 and 0.00016; gnomAD exomes 0.00010.
gnomAD v4.1: 93 of 1,575,684 alleles (0.0059%); highest among the groups gnomAD compares: Admixed American, 0.072%; no homozygotes.

Submissions (5):

Labcorp Genetics (formerly Invitae), Labcorp
Classification: Likely benign for Epilepsy, childhood absence, susceptibility to, 5; Epilepsy, childhood absence, susceptibility to, 1. Last evaluated: 2022-01-13. Review status: criteria provided, single submitter. Criteria: Invitae Variant Classification Sherloc (09022015). Collection method: clinical testing. Allele origin: germline.

Ambry Genetics
Classification: Likely benign for Inborn genetic diseases. Last evaluated: 2019-06-21. Review status: criteria provided, single submitter. Criteria: Ambry Variant Classification Scheme 2023. Collection method: clinical testing. Allele origin: germline.

GeneDx
Classification: Likely benign. Last evaluated: 2018-05-21. Review status: criteria provided, single submitter. Criteria: GeneDx Variant Classification Process June 2021. Collection method: clinical testing. Allele origin: germline. Affected: yes.
Comment: This variant is associated with the following publications: (PMID: 22206818, 19396344, 20308251, 22787601, 19717338, 26645412, 18514161)

Athena Diagnostics
Classification: Uncertain significance. Last evaluated: 2017-05-16. Review status: criteria provided, single submitter. Criteria: Athena Diagnostics Criteria. Collection method: clinical testing. Allele origin: germline.

OMIM
Classification: risk factor for EPILEPSY, CHILDHOOD ABSENCE, SUSCEPTIBILITY TO, 5. Last evaluated: 2008-06-01. Review status: no assertion criteria provided. Collection method: literature only. Allele origin: germline. Not counted in ClinVar's aggregate classification.

Literature cited by the submitters: PubMed 18514161 (cited by Athena Diagnostics and OMIM).

NM_021912.5(GABRB3):c.44C>T (p.Ser15Phe)

Gene: GABRB3 (gamma-aminobutyric acid type A receptor subunit beta3; minus strand). Cytogenetic location: 15q12.
Variant type: single nucleotide variant.
Coding change: c.44C>T on transcript NM_021912.5; coding-DNA position 44, C replaced by T.
Protein change: p.Ser15Phe; replaces serine 15 with phenylalanine.
Molecular consequence: missense variant.
Genome position (GRCh38, 1-based): chr15:26,773,681, G>A on the plus strand (C>T on the coding strand, the complement: GABRB3 is on the minus strand). VCF-style: chr15-26773681-G-A. GRCh37 (hg19) VCF-style: chr15-27018828-G-A.
Other names: short protein forms S15F.
Identifiers: ClinVar variation 16192 (VCV000016192.16), dbSNP rs121913126, ClinGen allele CA214944.